The following is an entry in ClinVar:

ClinVar aggregate classification (germline): Uncertain significance (1 of 4 stars; one submission).

Conditions:
Mitochondrial complex III deficiency nuclear type 5. Identifiers: MedGen C3554608, MONDO:0014066, OMIM 615160.

Submission:

3billion
Classification: Uncertain significance for Mitochondrial complex III deficiency nuclear type 5. Last evaluated: 2023-02-23. Review status: criteria provided, single submitter. Criteria: ACMG Guidelines, 2015. Collection method: clinical testing. Allele origin: unknown. Affected: yes.
Comment: The variant is not observed in the gnomAD v2.1.1 dataset. This variant was predicted to result in a loss or disruption of normal protein function through protein truncation. The predicted truncated protein may be shortened by less than 10%. Therefore, this variant is classified as VUS according to the recommendation of ACMG/AMP guideline.

NM_003366.4(UQCRC2):c.1254dup (p.Val419fs)

Genes: PDZD9 (PDZ domain containing 9), UQCRC2 (ubiquinol-cytochrome c reductase core protein 2). Cytogenetic location: 16p12.2.
Variant type: Duplication.
Coding change: c.1254dup on transcript NM_003366.4 (MANE Select); coding-DNA position 1254, one base duplicated.
Protein change: p.Val419fs; shifts the reading frame from valine 419.
Molecular consequence: frameshift variant.
Genome position: GRCh38 VCF-style: chr16-21980675-C-CA. GRCh37 (hg19) VCF-style: chr16-21991996-C-CA.
Other names: short protein forms V419fs.
Identifiers: ClinVar variation 2444151 (VCV002444151.1), dbSNP rs2507424841, ClinGen allele CA2580091214.
Genomic context (GRCh38, chr16:21,980,675, plus strand): 5'-CCCAGGCTCTAGTTGCTGGTTCTTACATGCCACCATCCACAGTCCTTCAGCAGATTGATT[C>CA]AGTGGCTAATGCTGATATCATAAATGTAAGTAAATGAAAACTTAACGATTTAACAACAGA-3'